The following is an entry in ClinVar:

NM_017777.4(MKS1):c.973T>G (p.Tyr325Asp)

Gene: MKS1 (MKS transition zone complex subunit 1; minus strand). Cytogenetic location: 17q22.
Variant type: single nucleotide variant.
Coding change: c.973T>G on transcript NM_017777.4 (MANE Select); coding-DNA position 973, T replaced by G.
Protein change: p.Tyr325Asp; replaces tyrosine 325 with aspartic acid.
Molecular consequence: missense variant.
Genome position (GRCh38, 1-based): chr17:58,210,710, A>C on the plus strand (T>G on the coding strand, the complement: MKS1 is on the minus strand). VCF-style: chr17-58210710-A-C. GRCh37 (hg19) VCF-style: chr17-56288071-A-C.
Other names: c.364T>G, p.Tyr122Asp (NM_001321268.2); c.973T>G, p.Tyr325Asp (NM_001321269.2, NM_001330397.2, NM_001411113.1); short protein forms Y325D, Y122D.
Identifiers: ClinVar variation 4999335 (VCV004999335.1).

ClinVar aggregate classification (germline): Uncertain significance (1 of 4 stars; one submission).

Conditions:
MKS1-related disorder. Also called: MKS1-related disorders; MKS1-related condition. Identifiers: MedGen CN239382.

Submission:

PreventionGenetics, part of Exact Sciences
Classification: Uncertain significance for MKS1-related condition. Last evaluated: 2025-04-11. Review status: criteria provided, single submitter. Criteria: ACMG Guidelines, 2015. Collection method: clinical testing. Allele origin: germline.
Comment: The MKS1 c.973T>G variant is predicted to result in the amino acid substitution p.Tyr325Asp. To our knowledge, this variant has not been reported in the literature or in a large population database (gnomAD), indicating this variant is rare. At this time, the clinical significance of this variant is uncertain due to the absence of conclusive functional and genetic evidence.